The following is an entry in ClinVar:

NM_000492.4(CFTR):c.1951G>A (p.Asp651Asn)

Gene: CFTR (CF transmembrane conductance regulator; plus strand). Cytogenetic location: 7q31.2.
Variant type: single nucleotide variant.
Coding change: c.1951G>A on transcript NM_000492.4 (MANE Select); coding-DNA position 1951, G replaced by A.
Protein change: p.Asp651Asn; replaces aspartic acid 651 with asparagine.
Molecular consequence: missense variant.
Genome position (GRCh38, 1-based): chr7:117,592,118, G>A. VCF-style: chr7-117592118-G-A. GRCh37 (hg19) VCF-style: chr7-117232172-G-A.
Other names: short protein forms D651N.
Identifiers: ClinVar variation 820398 (VCV000820398.18), dbSNP rs780526529, ClinGen allele CA4451121.

ClinVar aggregate classification (germline): Uncertain significance. Review status: criteria provided, multiple submitters, no conflicts (2 of 4 stars). 7 submissions from 7 submitters: Uncertain significance (6). 1 of the submissions does not count toward it. Last evaluated 2026-03-02.

Conditions:
CFTR-related disorder (CFTR-RD). Also called: CFTR-related disorders; CFTR-related condition. Identifiers: MedGen C5924204, MONDO:7770004.
Cystic fibrosis (CF). Also called: MUCOVISCIDOSIS. Identifiers: Orphanet 586, MedGen C0010674, MONDO:0009061, OMIM 219700. Disease mechanism: loss of function.

Allele frequency attached by ClinVar (database versions not stated): TOPMed below 0.00001; gnomAD exomes 0.00001 and 0.00003; ExAC 0.00002.
gnomAD v4.1: 13 of 1,613,824 alleles (0.00081%); highest among the groups gnomAD compares: East Asian, 0.0045%; no homozygotes.

Submissions (7):

Women's Health and Genetics/Laboratory Corporation of America, LabCorp
Classification: Uncertain significance. Last evaluated: 2026-03-02. Review status: criteria provided, single submitter. Criteria: LabCorp Variant Classification Summary - May 2015. Collection method: clinical testing. Allele origin: germline.
Comment: Variant summary: CFTR c.1951G>A (p.Asp651Asn) results in a conservative amino acid change in the encoded protein sequence. Algorithms developed to predict the effect of missense changes on protein structure and function are either unavailable or do not agree on the potential impact of this missense change. The variant allele was found at a frequency of 3.2e-05 in 250960 control chromosomes. c.1951G>A has been observed in individuals affected with Cystic Fibrosis (Soltysova_2017) and Lung Cancer (Bombieri_1998). These reports do not provide unequivocal conclusions about association of the variant with Cystic Fibrosis. One study found the variant to enhance altered splicing, however, the wild type transcript was still produced and the exact implications of these findings were not fully assessed and as a result these results do not allow for convincing conclusions about the variant effect (Aznarez_2003). Another functional study evaluating the impact of the variant on protein function found that the variant resulted in approximately 43.5% of chloride channel conductance relative to the wild type (Bihler_2024). The following publications have been ascertained in the context of this evaluation (PMID: 12913074, 38388235, 9921909, 25735457, 28544683). ClinVar contains an entry for this variant (Variation ID: 820398). Based on the evidence outlined above, the variant was classified as VUS-possibly pathogenic.

Johns Hopkins Genomics, Johns Hopkins University
Classification: Uncertain significance for Cystic fibrosis. Last evaluated: 2025-05-15. Review status: criteria provided, single submitter. Criteria: ACMG Guidelines, 2015. Collection method: clinical testing. Allele origin: germline.
Comment: This CFTR missense variant has been identified in individuals with features of cystic fibrosis. It (rs780526529) is rare (<0.1%) in a large population dataset (gnomADv4.1.0: 13/1613824 total alleles; 0.0008%; no homozygotes) and has not been reported in ClinVar (Variation ID: 820398). A single functional study demonstrates that this variant decreases CFTR function (44% of wild type), although not to the level observed for CF-causing variants (<10% wild type function). Another study reports that this variant impacts CFTR exon 14 (legacy exon 13) mRNA splicing, although this has not been replicated to our knowledge. BayPR, an algorithm developed and validated by the CFTR2 project that uses population data to assign disease liability to variants, predicts that this variant is not likely to be CF-causing (11% probability of being CF-causing). We consider the clinical significance of CFTR c.1951G>A to be uncertain at this time, although it is unlikely to be CF-causing and may be associated with varying clinical consequence.

Labcorp Genetics (formerly Invitae), Labcorp
Classification: Uncertain significance for Cystic fibrosis. Last evaluated: 2024-12-15. Review status: criteria provided, single submitter. Criteria: Invitae Variant Classification Sherloc (09022015). Collection method: clinical testing. Allele origin: germline.
Comment: This sequence change replaces aspartic acid, which is acidic and polar, with asparagine, which is neutral and polar, at codon 651 of the CFTR protein (p.Asp651Asn). This variant is present in population databases (rs780526529, gnomAD 0.01%). This missense change has been observed in individual(s) with clinical features consistent with cystic fibrosis and/or pulmonary disease (PMID: 9921909, 28544683). ClinVar contains an entry for this variant (Variation ID: 820398). Invitae Evidence Modeling of protein sequence and biophysical properties (such as structural, functional, and spatial information, amino acid conservation, physicochemical variation, residue mobility, and thermodynamic stability) indicates that this missense variant is expected to disrupt CFTR protein function with a positive predictive value of 80%. In summary, the available evidence is currently insufficient to determine the role of this variant in disease. Therefore, it has been classified as a Variant of Uncertain Significance.

Blueprint Genetics
Classification: Uncertain significance. Last evaluated: 2024-10-11. Review status: criteria provided, single submitter. Criteria: ACMG Guidelines, 2015. Collection method: clinical testing. Allele origin: germline.

Ambry Genetics
Classification: Uncertain significance for Cystic fibrosis. Last evaluated: 2024-07-17. Review status: criteria provided, single submitter. Criteria: Ambry Variant Classification Scheme 2023. Collection method: clinical testing. Allele origin: germline.
Comment: The p.D651N variant (also known as c.1951G>A), located in coding exon 14 of the CFTR gene, results from a G to A substitution at nucleotide position 1951. The aspartic acid at codon 651 is replaced by asparagine, an amino acid with highly similar properties. This variant was identified in an individual with lung cancer; a second CFTR variant was not reported (Bombieri C et al. Hum. Genet., 1998 Dec;103:718-22). In was also identified in a cohort of individuals with cystic fibrosis; however, complete genotype and phenotype information was not provided (Soltysova A et al. Clin Respir J, 2018 Mar;12:1197-1206). In a minigene assay, this variant showed increase use of cryptic splice sites compared to wildtype (Aznarez I et al. Hum. Mol. Genet., 2003 Aug;12:2031-40). This amino acid position is highly conserved in available vertebrate species. In addition, the in silico prediction for this alteration is inconclusive. Based on available evidence to date, the clinical significance of this alteration remains unclear.

Genome-Nilou Lab
Classification: Uncertain significance for Cystic fibrosis. Last evaluated: 2021-09-05. Review status: criteria provided, single submitter. Criteria: ACMG Guidelines, 2015. Collection method: clinical testing. Allele origin: germline. Affected: no.

Natera, Inc.
Classification: Uncertain significance for CFTR-related disorders. Last evaluated: 2018-11-28. Review status: no assertion criteria provided. Collection method: clinical testing. Allele origin: germline. Not counted in ClinVar's aggregate classification.

Literature cited by the submitters: PubMed 9921909 (cited by 4 submitters); PubMed 12913074 (cited by 3 submitters); PubMed 25735457 (cited by Women's Health and Genetics/Laboratory Corporation of America, LabCorp); PubMed 28544683 (cited by 4 submitters); PubMed 38388235 (cited by Women's Health and Genetics/Laboratory Corporation of America, LabCorp and Johns Hopkins Genomics, Johns Hopkins University); PubMed 11001817 (cited by Johns Hopkins Genomics, Johns Hopkins University).